The following is an entry in ClinVar:

NM_000059.4(BRCA2):c.7308C>T (p.Asn2436=)

Gene: BRCA2 (BRCA2 DNA repair associated; plus strand). Cytogenetic location: 13q13.1.
Variant type: single nucleotide variant.
Coding change: c.7308C>T on transcript NM_000059.4 (MANE Select); coding-DNA position 7308, C replaced by T.
Protein change: p.Asn2436=; no amino-acid change (asparagine 2436 retained).
Molecular consequence: synonymous variant.
Genome position (GRCh38, 1-based): chr13:32,355,161, C>T. VCF-style: chr13-32355161-C-T. GRCh37 (hg19) VCF-style: chr13-32929298-C-T.
Other names: c.7308C>T (NM_000059.3).
Identifiers: ClinVar variation 1050360 (VCV001050360.8), dbSNP rs2137557865, ClinGen allele CA483439433.
Genomic context (GRCh38, chr13:32,355,161, plus strand): 5'-TCACAGAGTTGAACAGTGTGTTAGGAATATTAACTTGGAGGAAAACAGACAAAAGCAAAA[C>T]ATTGATGGACATGGCTCTGATGATAGTAAAAATAAGATTAATGACAATGAGATTCATCAG-3'
Protein context (NP_000050.3, residues 2426-2446): INLEENRQKQ[Asn2436=]IDGHGSDDSK

ClinVar aggregate classification (germline): Likely benign. Review status: criteria provided, multiple submitters, no conflicts (2 of 4 stars). 3 submissions from 3 submitters: Likely benign (2). 1 of the submissions does not count toward it. Last evaluated 2026-04-04.

Conditions:
Hereditary breast ovarian cancer syndrome. Also called: Hereditary breast and ovarian cancer syndrome; Hereditary breast and/or ovarian cancer syndrome; Hereditary breast and ovarian cancer; Hereditary breast and ovarian cancer syndrome (HBOC); BRCA1- and BRCA2-Associated Hereditary Breast and Ovarian Cancer; Breast and ovarian cancer. Identifiers: Orphanet 145, MedGen C0677776, MeSH D061325, MONDO:0003582. Disease mechanism: loss of function.
Hereditary cancer-predisposing syndrome. Also called: Hereditary neoplastic syndrome; Neoplastic Syndromes, Hereditary; Tumor predisposition; Hereditary Cancer Syndrome. Identifiers: Orphanet 140162, MedGen C0027672, MeSH D009386, MONDO:0015356.
Malignant tumor of breast. Also called: Malignant breast neoplasm; Cancer breast. Identifiers: MedGen C0006142, MONDO:0007254. Disease mechanism: loss of function.

Submissions (3):

Ambry Genetics
Classification: Likely benign for Hereditary cancer-predisposing syndrome. Last evaluated: 2026-04-04. Review status: criteria provided, single submitter. Criteria: Ambry Variant Classification Scheme 2023. Collection method: clinical testing. Allele origin: germline.

Labcorp Genetics (formerly Invitae), Labcorp
Classification: Likely benign for Hereditary breast ovarian cancer syndrome. Last evaluated: 2025-01-23. Review status: criteria provided, single submitter. Criteria: Invitae Variant Classification Sherloc (09022015). Collection method: clinical testing. Allele origin: germline.

Department of Pathology and Laboratory Medicine, Sinai Health System
Classification: Likely benign for Malignant tumor of breast. Review status: no assertion criteria provided. Collection method: clinical testing. Allele origin: unknown. Affected: yes. Study: The Canadian Open Genetics Repository (COGR). Not counted in ClinVar's aggregate classification.
Comment: The BRCA2 p.Asn2436= variant was not identified in the literature nor was it identified in the dbSNP, ClinVar, LOVD 3.0, or UMD-LSDB, databases. The variant was not identified in the following control databases: the Exome Aggregation Consortium (August 8th 2016), or the Genome Aggregation Database (Feb 27, 2017). The p.Asn2436= variant is not expected to have clinical significance because it does not result in a change of amino acid and is not located in a known consensus splice site. In addition, in silico or computational prediction software programs (SpliceSiteFinder, MaxEntScan, NNSPLICE, GeneSplicer) do not predict a difference in splicing. In summary, based on the above information the clinical significance of this variant cannot be determined with certainty at this time although we would lean towards a more benign role for this variant. This variant is classified as likely benign.